The following is an entry in ClinVar:

NM_014244.5(ADAMTS2):c.1822C>T (p.Gln608Ter)

Gene: ADAMTS2 (ADAM metallopeptidase with thrombospondin type 1 motif 2; minus strand). Cytogenetic location: 5q35.3.
Variant type: single nucleotide variant.
Coding change: c.1822C>T on transcript NM_014244.5 (MANE Select); coding-DNA position 1822, C replaced by T.
Protein change: p.Gln608Ter; replaces glutamine 608 with a stop codon.
Molecular consequence: nonsense.
Genome position (GRCh38, 1-based): chr5:179,137,898, G>A on the plus strand (C>T on the coding strand, the complement: ADAMTS2 is on the minus strand). VCF-style: chr5-179137898-G-A. GRCh37 (hg19) VCF-style: chr5-178564899-G-A.
Other names: short protein forms Q608*.
Identifiers: ClinVar variation 1194897 (VCV001194897.5), dbSNP rs2113218754, ClinGen allele CA362426893.

ClinVar aggregate classification (germline): Pathogenic/Likely pathogenic. Review status: criteria provided, multiple submitters, no conflicts (2 of 4 stars). 2 submissions from 2 submitters: Pathogenic (1); Likely pathogenic (1). Last evaluated 2023-03-08.

Conditions:
Ehlers-Danlos syndrome, dermatosparaxis type. Also called: Ehlers-Danlos syndrome, type VII, autosomal recessive; EDS VIIC; Dermatosparaxis. Identifiers: Orphanet 1901, MedGen C2700425, MONDO:0009161, OMIM 225410.

Allele frequency attached by ClinVar (database versions not stated): gnomAD exomes below 0.00001.
gnomAD v4.1: 3 of 1,554,156 alleles (0.00019%); highest among the groups gnomAD compares: Non-Finnish European, 0.00026%; no homozygotes.

Submissions (2):

Labcorp Genetics (formerly Invitae), Labcorp
Classification: Pathogenic for Ehlers-Danlos syndrome, dermatosparaxis type. Last evaluated: 2023-03-08. Review status: criteria provided, single submitter. Criteria: Invitae Variant Classification Sherloc (09022015). Collection method: clinical testing. Allele origin: germline.
Comment: For these reasons, this variant has been classified as Pathogenic. ClinVar contains an entry for this variant (Variation ID: 1194897). This variant has not been reported in the literature in individuals affected with ADAMTS2-related conditions. This variant is not present in population databases (gnomAD no frequency). This sequence change creates a premature translational stop signal (p.Gln608*) in the ADAMTS2 gene. It is expected to result in an absent or disrupted protein product. Loss-of-function variants in ADAMTS2 are known to be pathogenic (PMID: 10417273).

GeneDx
Classification: Likely pathogenic. Last evaluated: 2020-01-21. Review status: criteria provided, single submitter. Criteria: GeneDx Variant Classification Process June 2021. Collection method: clinical testing. Allele origin: germline. Affected: yes.
Comment: Has not been previously published as pathogenic or benign to our knowledge; Not observed in large population cohorts (Lek et al., 2016); Nonsense variant predicted to result in protein truncation or nonsense mediated decay in a gene for which loss-of-function is a known mechanism of disease

Literature cited by the submitters: PubMed 10417273 (cited by Labcorp Genetics (formerly Invitae), Labcorp).